The following is an entry in ClinVar:

NM_001375524.1(TRRAP):c.734A>G (p.Asn245Ser)

Gene: TRRAP (transformation/transcription domain associated protein; plus strand). Cytogenetic location: 7q22.1.
Variant type: single nucleotide variant.
Coding change: c.734A>G on transcript NM_001375524.1 (MANE Select); coding-DNA position 734, A replaced by G.
Protein change: p.Asn245Ser; replaces asparagine 245 with serine.
Molecular consequence: missense variant.
Genome position (GRCh38, 1-based): chr7:98,899,701, A>G. VCF-style: chr7-98899701-A-G. GRCh37 (hg19) VCF-style: chr7-98497324-A-G.
Other names: c.734A>G, p.Asn245Ser (NM_001244580.2, NM_003496.4); short protein forms N245S.
Identifiers: ClinVar variation 3974491 (VCV003974491.2).

ClinVar aggregate classification (germline): Conflicting classifications of pathogenicity. Review status: criteria provided, conflicting classifications (1 of 4 stars). 2 submissions from 2 submitters: Uncertain significance (1); Likely benign (1). Last evaluated 2025-11-24.

Conditions:
Inborn genetic diseases. Identifiers: MedGen C0950123, MeSH D030342.

gnomAD v4.1: 22 of 1,614,080 alleles (0.0014%); highest among the groups gnomAD compares: East Asian, 0.0089%; no homozygotes.

Submissions (2):

Labcorp Genetics (formerly Invitae), Labcorp
Classification: Uncertain significance. Last evaluated: 2025-11-24. Review status: criteria provided, single submitter. Criteria: Invitae Variant Classification Sherloc (09022015). Collection method: clinical testing. Allele origin: germline.
Comment: This sequence change replaces asparagine, which is neutral and polar, with serine, which is neutral and polar, at codon 245 of the TRRAP protein (p.Asn245Ser). This variant is present in population databases (rs782410409, gnomAD 0.03%). This variant has not been reported in the literature in individuals affected with TRRAP-related conditions. ClinVar contains an entry for this variant (Variation ID: 3974491). Invitae Evidence Modeling of protein sequence and biophysical properties (such as structural, functional, and spatial information, amino acid conservation, physicochemical variation, residue mobility, and thermodynamic stability) indicates that this missense variant is not expected to disrupt TRRAP protein function with a negative predictive value of 80%. In summary, the available evidence is currently insufficient to determine the role of this variant in disease. Therefore, it has been classified as a Variant of Uncertain Significance.

Ambry Genetics
Classification: Likely benign for Inborn genetic diseases. Last evaluated: 2025-04-07. Review status: criteria provided, single submitter. Criteria: Ambry Variant Classification Scheme 2023. Collection method: clinical testing. Allele origin: germline.